The following is an entry in ClinVar:

NM_000918.4(P4HB):c.1066A>T (p.Met356Leu)

Gene: P4HB (prolyl 4-hydroxylase subunit beta; minus strand). Cytogenetic location: 17q25.3.
Variant type: single nucleotide variant.
Coding change: c.1066A>T on transcript NM_000918.4 (MANE Select); coding-DNA position 1066, A replaced by T.
Protein change: p.Met356Leu; replaces methionine 356 with leucine.
Molecular consequence: missense variant.
Genome position (GRCh38, 1-based): chr17:81,845,982, T>A on the plus strand (A>T on the coding strand, the complement: P4HB is on the minus strand). VCF-style: chr17-81845982-T-A. GRCh37 (hg19) VCF-style: chr17-79803858-T-A.
Other names: short protein forms M356L.
Identifiers: ClinVar variation 4626807 (VCV004626807.2).

ClinVar aggregate classification (germline): Uncertain significance. Review status: criteria provided, multiple submitters, no conflicts (2 of 4 stars). 2 submissions from 2 submitters: Uncertain significance (2). Last evaluated 2025-10-17.

Conditions:
Inborn genetic diseases. Identifiers: MedGen C0950123, MeSH D030342.

gnomAD v4.1: 69 of 1,609,714 alleles (0.0043%); highest among the groups gnomAD compares: Non-Finnish European, 0.0056%; no homozygotes.

Submissions (2):

Ambry Genetics
Classification: Uncertain significance for Inborn genetic diseases. Last evaluated: 2025-10-17. Review status: criteria provided, single submitter. Criteria: Ambry Variant Classification Scheme 2023. Collection method: clinical testing. Allele origin: germline.

Labcorp Genetics (formerly Invitae), Labcorp
Classification: Uncertain significance. Last evaluated: 2025-07-03. Review status: criteria provided, single submitter. Criteria: Invitae Variant Classification Sherloc (09022015). Collection method: clinical testing. Allele origin: germline.
Comment: This sequence change replaces methionine, which is neutral and non-polar, with leucine, which is neutral and non-polar, at codon 356 of the P4HB protein (p.Met356Leu). This variant is present in population databases (rs769626015, gnomAD 0.004%). This variant has not been reported in the literature in individuals affected with P4HB-related conditions. Invitae Evidence Modeling of protein sequence and biophysical properties (such as structural, functional, and spatial information, amino acid conservation, physicochemical variation, residue mobility, and thermodynamic stability) indicates that this missense variant is not expected to disrupt P4HB protein function with a negative predictive value of 80%. In summary, the available evidence is currently insufficient to determine the role of this variant in disease. Therefore, it has been classified as a Variant of Uncertain Significance.